The following is an entry in ClinVar:

ClinVar aggregate classification (germline): Uncertain significance. Review status: criteria provided, multiple submitters, no conflicts (2 of 4 stars). 3 submissions from 3 submitters: Uncertain significance (3). Last evaluated 2026-05-28.

Conditions:
Vitamin D-dependent rickets, type 1A. Also called: VITAMIN D HYDROXYLATION-DEFICIENT RICKETS, TYPE 1A; PDDR IA; PSEUDOVITAMIN D-DEFICIENCY RICKETS, TYPE IA. Identifiers: MedGen CN283242, MONDO:0020723, OMIM 264700.

Allele frequency attached by ClinVar (database versions not stated): TOPMed 0.00001; ExAC 0.00001; gnomAD 0.00001; gnomAD exomes 0.00001.
gnomAD v4.1: 6 of 1,613,880 alleles (0.00037%); highest among the groups gnomAD compares: African/African-American, 0.004%; no homozygotes.

Submissions (3):

Women's Health and Genetics/Laboratory Corporation of America, LabCorp
Classification: Uncertain significance. Last evaluated: 2026-05-28. Review status: criteria provided, single submitter. Criteria: LabCorp Variant Classification Summary - May 2015. Collection method: clinical testing. Allele origin: germline.
Comment: Variant summary: CYP27B1 c.704C>A (p.Thr235Asn) results in a non-conservative amino acid change in the encoded protein sequence. Algorithms developed to predict the effect of missense changes on protein structure and function are either unavailable or do not agree on the potential impact of this missense change. The variant allele was found at a frequency of 4e-06 in 250756 control chromosomes. The available data on variant occurrences in the general population are insufficient to allow any conclusion about variant significance. To our knowledge, no occurrence of c.704C>A in individuals affected with CYP27B1-related conditions and no experimental evidence demonstrating its impact on protein function have been reported. ClinVar contains an entry for this variant (Variation ID: 1708812). Based on the evidence outlined above, the variant was classified as uncertain significance.

Revvity Omics, Revvity
Classification: Uncertain significance for Vitamin D-dependent rickets, type 1A. Last evaluated: 2023-06-07. Review status: criteria provided, single submitter. Criteria: ACMG Guidelines, 2015. Collection method: clinical testing. Allele origin: germline.

GeneDx
Classification: Uncertain significance. Last evaluated: 2022-04-05. Review status: criteria provided, single submitter. Criteria: GeneDx Variant Classification Process June 2021. Collection method: clinical testing. Allele origin: germline. Affected: yes.
Comment: In silico analysis supports that this missense variant has a deleterious effect on protein structure/function; Has not been previously published as pathogenic or benign to our knowledge

NM_000785.4(CYP27B1):c.704C>A (p.Thr235Asn)

Gene: CYP27B1 (cytochrome P450 family 27 subfamily B member 1; minus strand). Cytogenetic location: 12q14.1.
Variant type: single nucleotide variant.
Coding change: c.704C>A on transcript NM_000785.4 (MANE Select); coding-DNA position 704, C replaced by A.
Protein change: p.Thr235Asn; replaces threonine 235 with asparagine.
Molecular consequence: missense variant.
Genome position (GRCh38, 1-based): chr12:57,765,097, G>T on the plus strand (C>A on the coding strand, the complement: CYP27B1 is on the minus strand). VCF-style: chr12-57765097-G-T. GRCh37 (hg19) VCF-style: chr12-58158880-G-T.
Other names: short protein forms T235N.
Identifiers: ClinVar variation 1708812 (VCV001708812.5), dbSNP rs775114472, ClinGen allele CA6658354.